The following is an entry in ClinVar:

ClinVar aggregate classification (germline): Uncertain significance. Review status: criteria provided, multiple submitters, no conflicts (2 of 4 stars). 5 submissions from 5 submitters: Uncertain significance (5). Last evaluated 2025-08-08.

Conditions:
Inborn genetic diseases. Identifiers: MedGen C0950123, MeSH D030342.
Spermatogenic failure 28. Identifiers: MedGen C4748117, MONDO:0054732, OMIM 618086.
Premature ovarian failure 15. Identifiers: MedGen C4748170, MONDO:0054862, OMIM 618096.
Fanconi anemia (FA). Also called: Fanconi's anemia. Identifiers: Orphanet 84, MedGen C0015625, MeSH D005199, MONDO:0019391.

Submissions (5):

Ambry Genetics
Classification: Uncertain significance for Inborn genetic diseases. Last evaluated: 2025-08-08. Review status: criteria provided, single submitter. Criteria: Ambry Variant Classification Scheme 2023. Collection method: clinical testing. Allele origin: germline.
Comment: The p.W12C variant (also known as c.36G>T), located in coding exon 1 of the FANCM gene, results from a G to T substitution at nucleotide position 36. The tryptophan at codon 12 is replaced by cysteine, an amino acid with highly dissimilar properties. This amino acid position is conserved. In addition, the in silico prediction for this alteration is inconclusive. Based on the available evidence, the clinical significance of this variant remains unclear.

GeneDx
Classification: Uncertain significance. Last evaluated: 2024-09-23. Review status: criteria provided, single submitter. Criteria: GeneDx Variant Classification Process June 2021. Collection method: clinical testing. Allele origin: germline. Affected: yes.
Comment: Not observed at significant frequency in large population cohorts (gnomAD); In silico analysis supports that this missense variant has a deleterious effect on protein structure/function; Has not been previously published as pathogenic or benign to our knowledge

Fulgent Genetics
Classification: Uncertain significance for Spermatogenic failure 28; Premature ovarian failure 15. Last evaluated: 2024-03-09. Review status: criteria provided, single submitter. Criteria: ACMG Guidelines, 2015. Collection method: clinical testing. Allele origin: germline.

Genetic Services Laboratory, University of Chicago
Classification: Uncertain significance. Last evaluated: 2021-06-07. Review status: criteria provided, single submitter. Criteria: ACMG Guidelines, 2015. Collection method: clinical testing. Allele origin: germline. Affected: no.

Labcorp Genetics (formerly Invitae), Labcorp
Classification: Uncertain significance for Fanconi anemia. Last evaluated: 2021-06-06. Review status: criteria provided, single submitter. Criteria: Invitae Variant Classification Sherloc (09022015). Collection method: clinical testing. Allele origin: germline.
Comment: This variant is not present in population databases (ExAC no frequency). In summary, the available evidence is currently insufficient to determine the role of this variant in disease. Therefore, it has been classified as a Variant of Uncertain Significance. Algorithms developed to predict the effect of missense changes on protein structure and function are either unavailable or do not agree on the potential impact of this missense change (SIFT: "Deleterious"; PolyPhen-2: "Probably Damaging"; Align-GVGD: "Class C0"). This variant has not been reported in the literature in individuals with FANCM-related conditions. This sequence change replaces tryptophan with cysteine at codon 12 of the FANCM protein (p.Trp12Cys). The tryptophan residue is moderately conserved and there is a large physicochemical difference between tryptophan and cysteine.

NM_020937.4(FANCM):c.36G>T (p.Trp12Cys)

Gene: FANCM (FA complementation group M; plus strand). Cytogenetic location: 14q21.2.
Variant type: single nucleotide variant.
Coding change: c.36G>T on transcript NM_020937.4 (MANE Select); coding-DNA position 36, G replaced by T.
Protein change: p.Trp12Cys; replaces tryptophan 12 with cysteine.
Molecular consequence: missense variant.
Genome position (GRCh38, 1-based): chr14:45,136,067, G>T. VCF-style: chr14-45136067-G-T. GRCh37 (hg19) VCF-style: chr14-45605270-G-T.
Other names: c.36G>T (NM_020937.2); c.36G>T, p.Trp12Cys (NM_001308133.2, NM_001308134.2); short protein forms W12C.
Identifiers: ClinVar variation 1337953 (VCV001337953.14), dbSNP rs2139099472, ClinGen allele CA389586704.